The following is an entry in ClinVar:

ClinVar aggregate classification (germline): Uncertain significance (1 of 4 stars; one submission).

Submission:

Ambry Genetics
Classification: Uncertain significance. Last evaluated: 2024-06-04. Review status: criteria provided, single submitter. Criteria: Ambry Variant Classification Scheme 2023. Collection method: clinical testing. Allele origin: germline.
Comment: The p.K345R variant (also known as c.1034A>G), located in coding exon 9 of the FAM175A gene, results from an A to G substitution at nucleotide position 1034. The lysine at codon 345 is replaced by arginine, an amino acid with highly similar properties. This amino acid position is conserved. In addition, this alteration is predicted to be tolerated by in silico analysis. Based on the available evidence, the clinical significance of this variant remains unclear.

NM_139076.3(ABRAXAS1):c.1034A>G (p.Lys345Arg)

Gene: ABRAXAS1 (abraxas 1, BRCA1 A complex subunit; minus strand). Cytogenetic location: 4q21.23.
Variant type: single nucleotide variant.
Coding change: c.1034A>G on transcript NM_139076.3 (MANE Select); coding-DNA position 1034, A replaced by G.
Protein change: p.Lys345Arg; replaces lysine 345 with arginine.
Molecular consequence: missense variant.
Genome position (GRCh38, 1-based): chr4:83,462,665, T>C on the plus strand (A>G on the coding strand, the complement: ABRAXAS1 is on the minus strand). VCF-style: chr4-83462665-T-C. GRCh37 (hg19) VCF-style: chr4-84383818-T-C.
Other names: c.707A>G, p.Lys236Arg (NM_001345962.2); short protein forms K236R, K345R.
Identifiers: ClinVar variation 3334853 (VCV003334853.1).